The following is an entry in ClinVar:

ClinVar aggregate classification (germline): Uncertain significance (1 of 4 stars; one submission).

Submission:

Labcorp Genetics (formerly Invitae), Labcorp
Classification: Uncertain significance. Last evaluated: 2024-04-15. Review status: criteria provided, single submitter. Criteria: Invitae Variant Classification Sherloc (09022015). Collection method: clinical testing. Allele origin: germline.
Comment: This sequence change replaces histidine, which is basic and polar, with asparagine, which is neutral and polar, at codon 762 of the KIAA1549 protein (p.His762Asn). This variant is not present in population databases (gnomAD no frequency). This variant has not been reported in the literature in individuals affected with KIAA1549-related conditions. ClinVar contains an entry for this variant (Variation ID: 844271). An algorithm developed to predict the effect of missense changes on protein structure and function (PolyPhen-2) suggests that this variant is likely to be tolerated. In summary, the available evidence is currently insufficient to determine the role of this variant in disease. Therefore, it has been classified as a Variant of Uncertain Significance.

NM_001164665.2(KIAA1549):c.2284C>A (p.His762Asn)

Gene: KIAA1549 (KIAA1549; minus strand). Cytogenetic location: 7q34.
Variant type: single nucleotide variant.
Coding change: c.2284C>A on transcript NM_001164665.2 (MANE Select); coding-DNA position 2284, C replaced by A.
Protein change: p.His762Asn; replaces histidine 762 with asparagine.
Molecular consequence: missense variant.
Genome position (GRCh38, 1-based): chr7:138,917,342, G>T on the plus strand (C>A on the coding strand, the complement: KIAA1549 is on the minus strand). VCF-style: chr7-138917342-G-T. GRCh37 (hg19) VCF-style: chr7-138602088-G-T.
Other names: c.2284C>A, p.His762Asn (NM_020910.3); short protein forms H762N.
Identifiers: ClinVar variation 844271 (VCV000844271.9), dbSNP rs764051623, ClinGen allele CA369393297.